The following is an entry in ClinVar:

NM_005732.4(RAD50):c.2848A>C (p.Lys950Gln)

Gene: RAD50 (RAD50 double strand break repair protein; plus strand). Cytogenetic location: 5q31.1.
Variant type: single nucleotide variant.
Coding change: c.2848A>C on transcript NM_005732.4 (MANE Select); coding-DNA position 2848, A replaced by C.
Protein change: p.Lys950Gln; replaces lysine 950 with glutamine.
Molecular consequence: missense variant.
Genome position (GRCh38, 1-based): chr5:132,609,135, A>C. VCF-style: chr5-132609135-A-C. GRCh37 (hg19) VCF-style: chr5-131944827-A-C.
Other names: short protein forms K950Q.
Identifiers: ClinVar variation 656663 (VCV000656663.9), dbSNP rs1581004613, ClinGen allele CA360959448.

ClinVar aggregate classification (germline): Uncertain significance (1 of 4 stars; one submission).

Conditions:
Hereditary cancer-predisposing syndrome. Also called: Hereditary neoplastic syndrome; Tumor predisposition; Neoplastic Syndromes, Hereditary; Hereditary Cancer Syndrome. Identifiers: Orphanet 140162, MedGen C0027672, MeSH D009386, MONDO:0015356.

Submission:

Labcorp Genetics (formerly Invitae), Labcorp
Classification: Uncertain significance for Hereditary cancer-predisposing syndrome. Last evaluated: 2018-07-26. Review status: criteria provided, single submitter. Criteria: Invitae Variant Classification Sherloc (09022015). Collection method: clinical testing. Allele origin: germline.
Comment: In summary, the available evidence is currently insufficient to determine the role of this variant in disease. Therefore, it has been classified as a Variant of Uncertain Significance. This sequence change replaces lysine with glutamine at codon 950 of the RAD50 protein (p.Lys950Gln). The lysine residue is highly conserved and there is a small physicochemical difference between lysine and glutamine. This variant is not present in population databases (ExAC no frequency). This variant has not been reported in the literature in individuals with RAD50-related disease. Algorithms developed to predict the effect of missense changes on protein structure and function are either unavailable or do not agree on the potential impact of this missense change (SIFT: "Tolerated"; PolyPhen-2: "Possibly Damaging"; Align-GVGD: "Class C0").